The following is an entry in ClinVar:

ClinVar aggregate classification (germline): Pathogenic (1 of 4 stars; one submission).

Conditions:
Agammaglobulinemia 7, autosomal recessive (AGM7). Also called: AGAMMAGLOBULINEMIA, AUTOSOMAL RECESSIVE, DUE TO PIK3R1 DEFECT. Identifiers: MedGen C3554689, MONDO:0014083, OMIM 615214.
SHORT syndrome. Also called: SHORT STATURE, HYPEREXTENSIBILITY, HERNIA, OCULAR DEPRESSION, RIEGER ANOMALY, AND TEETHING DELAY; LIPODYSTROPHY, PARTIAL, WITH RIEGER ANOMALY AND SHORT STATURE; PIK3R1-Related SHORT Syndrome. Identifiers: Orphanet 3163, MedGen C0878684, MONDO:0010026, OMIM 269880.
Immunodeficiency 36 with lymphoproliferation. Also called: Immunodeficiency 36; Activated PI3K Delta Syndrome Type 2 (APDS2); ACTIVATED PI3K-DELTA SYNDROME 2. Identifiers: Orphanet 397596, Orphanet 693681, MedGen C4014934, MONDO:0014453, OMIM 616005.

Submission:

Labcorp Genetics (formerly Invitae), Labcorp
Classification: Pathogenic for SHORT syndrome; Immunodeficiency 36 with lymphoproliferation; Agammaglobulinemia 7, autosomal recessive. Last evaluated: 2025-06-22. Review status: criteria provided, single submitter. Criteria: Invitae Variant Classification Sherloc (09022015). Collection method: clinical testing. Allele origin: germline.
Comment: This sequence change creates a premature translational stop signal (p.Gln654*) in the PIK3R1 gene. While this is not anticipated to result in nonsense mediated decay, it is expected to disrupt the last 71 amino acid(s) of the PIK3R1 protein. This variant is not present in population databases (gnomAD no frequency). This premature translational stop signal has been observed in individual(s) with SHORT syndrome (PMID: 33129256). In at least one individual the variant was observed to be de novo. This variant is located in a region of the PIK3R1 protein where a significant number of PIK3R1 nonsense and frameshift mutations have been reported in association with autosomal dominant SHORT syndrome (PMID: 33742773, 23810382, 27766312, 28472977). For these reasons, this variant has been classified as Pathogenic.

Literature cited by the submitters: PubMed 33129256; PubMed 33742773; PubMed 23810382; PubMed 27766312; PubMed 28472977.

NM_181523.3(PIK3R1):c.1960C>T (p.Gln654Ter)

Gene: PIK3R1 (phosphoinositide-3-kinase regulatory subunit 1; plus strand). Cytogenetic location: 5q13.1.
Variant type: single nucleotide variant.
Coding change: c.1960C>T on transcript NM_181523.3 (MANE Select); coding-DNA position 1960, C replaced by T.
Protein change: p.Gln654Ter; replaces glutamine 654 with a stop codon.
Molecular consequence: nonsense.
Genome position (GRCh38, 1-based): chr5:68,296,316, C>T. VCF-style: chr5-68296316-C-T. GRCh37 (hg19) VCF-style: chr5-67592144-C-T.
Other names: c.871C>T, p.Gln291Ter (NM_001242466.2); c.1150C>T, p.Gln384Ter (NM_181504.4); c.1060C>T, p.Gln354Ter (NM_181524.2); short protein forms Q384*, Q654*, Q291*, Q354*.
Identifiers: ClinVar variation 4791940 (VCV004791940.1).
Genomic context (GRCh38, chr5:68,296,316, plus strand): 5'-GCTGAAAACCTGTTGCGAGGGAAGCGAGATGGCACTTTTCTTGTCCGGGAGAGCAGTAAA[C>T]AGGGCTGCTATGCCTGCTCTGTAGTGTATGTATCTCCAGCAAACTTTTCTTTACAACATC-3'